The following is an entry in ClinVar:

NM_003924.4(PHOX2B):c.617C>A (p.Pro206His)

Gene: PHOX2B (paired like homeobox 2B; minus strand). Cytogenetic location: 4p13.
Variant type: single nucleotide variant.
Coding change: c.617C>A on transcript NM_003924.4 (MANE Select); coding-DNA position 617, C replaced by A.
Protein change: p.Pro206His; replaces proline 206 with histidine.
Molecular consequence: missense variant.
Genome position (GRCh38, 1-based): chr4:41,746,135, G>T on the plus strand (C>A on the coding strand, the complement: PHOX2B is on the minus strand). VCF-style: chr4-41746135-G-T. GRCh37 (hg19) VCF-style: chr4-41748152-G-T.
Other names: short protein forms P206H.
Identifiers: ClinVar variation 5026525 (VCV005026525.1).

ClinVar aggregate classification (germline): Uncertain significance (1 of 4 stars; one submission).

Conditions:
Hereditary cancer-predisposing syndrome. Also called: Neoplastic Syndromes, Hereditary; Tumor predisposition; Hereditary neoplastic syndrome; Hereditary Cancer Syndrome. Identifiers: Orphanet 140162, MedGen C0027672, MeSH D009386, MONDO:0015356.

Submission:

Ambry Genetics
Classification: Uncertain significance for Hereditary cancer-predisposing syndrome. Last evaluated: 2026-06-26. Review status: criteria provided, single submitter. Criteria: Ambry Variant Classification Scheme 2023. Collection method: clinical testing. Allele origin: germline.
Comment: The p.P206H variant (also known as c.617C>A), located in coding exon 3 of the PHOX2B gene, results from a C to A substitution at nucleotide position 617. The proline at codon 206 is replaced by histidine, an amino acid with similar properties. This amino acid position is well conserved in available vertebrate species. In addition, this alteration is predicted to be tolerated by in silico analysis. Based on the available evidence, the clinical significance of this variant remains unclear.